The following is an entry in ClinVar:

ClinVar aggregate classification (germline): Pathogenic (1 of 4 stars; one submission).

Conditions:
Multiple sulfatase deficiency (MSD). Also called: Mucosulfatidosis; Multiple Sulfatase Deficiency Disease; Sulfatidosis, Juvenile, Austin Type. Identifiers: Orphanet 585, MedGen C0268263, MONDO:0010088, OMIM 272200.

Submission:

Labcorp Genetics (formerly Invitae), Labcorp
Classification: Pathogenic for Multiple sulfatase deficiency. Last evaluated: 2021-11-10. Review status: criteria provided, single submitter. Criteria: Invitae Variant Classification Sherloc (09022015). Collection method: clinical testing. Allele origin: germline.
Comment: This variant is a gross deletion of the genomic region encompassing exon(s) 3 of the SUMF1 gene. This variant would be expected to be in-frame, preserving the integrity of the reading frame. This variant has not been reported in the literature in individuals affected with SUMF1-related conditions. This variant disrupts a region of the SUMF1 protein in which other variant(s) (p.Ser155Pro) have been determined to be pathogenic (PMID: 12757706, 16125993, 21224894, 25885655, 27344646). This suggests that this is a clinically significant region of the protein, and that variants that disrupt it are likely to be disease-causing. For these reasons, this variant has been classified as Pathogenic.

Literature cited by the submitters: PubMed 12757706; PubMed 16125993; PubMed 21224894; PubMed 25885655; PubMed 27344646.

NC_000003.11:g.(?_4490940)_(4491034_?)del

Gene: SUMF1 (sulfatase modifying factor 1; minus strand). Cytogenetic location: 3p26.1.
Variant type: Deletion.
Identifiers: ClinVar variation 2427593 (VCV002427593.3).